The following is an entry in ClinVar:

NM_001370658.1(BTD):c.373G>C (p.Glu125Gln)

Gene: BTD (biotinidase; plus strand). Cytogenetic location: 3p25.1.
Variant type: single nucleotide variant.
Coding change: c.373G>C on transcript NM_001370658.1 (MANE Select); coding-DNA position 373, G replaced by C.
Protein change: p.Glu125Gln; replaces glutamic acid 125 with glutamine.
Molecular consequence: missense variant.
Genome position (GRCh38, 1-based): chr3:15,642,031, G>C. VCF-style: chr3-15642031-G-C. GRCh37 (hg19) VCF-style: chr3-15683538-G-C.
Other names: c.433G>C, p.Glu145Gln (NM_000060.4); c.373G>C, p.Glu125Gln (NM_001281723.4, NM_001281724.3, NM_001281725.3 and 36 more transcripts); c.436G>C, p.Glu146Gln (NM_001407381.1); short protein forms E125Q, E145Q, E146Q.
Identifiers: ClinVar variation 2184325 (VCV002184325.2), dbSNP rs1281555039, ClinGen allele CA351605754.

ClinVar aggregate classification (germline): Uncertain significance (1 of 4 stars; one submission).

Conditions:
Biotinidase deficiency. Also called: BTD deficiency; Late-onset biotin-responsive multiple carboxylase deficiency; Biotin deficiency. Identifiers: Orphanet 79241, MedGen C0220754, MONDO:0009665, OMIM 253260.

gnomAD v4.1: 1 of 1,614,138 alleles (0.000062%); highest among the groups gnomAD compares: Admixed American, 0.0017%; no homozygotes.

Submission:

Labcorp Genetics (formerly Invitae), Labcorp
Classification: Uncertain significance for Biotinidase deficiency. Last evaluated: 2024-03-11. Review status: criteria provided, single submitter. Criteria: Invitae Variant Classification Sherloc (09022015). Collection method: clinical testing. Allele origin: germline.
Comment: This sequence change replaces glutamic acid, which is acidic and polar, with glutamine, which is neutral and polar, at codon 145 of the BTD protein (p.Glu145Gln). This variant is present in population databases (no rsID available, gnomAD 0.003%). This variant has not been reported in the literature in individuals affected with BTD-related conditions. ClinVar contains an entry for this variant (Variation ID: 2184325). Advanced modeling of protein sequence and biophysical properties (such as structural, functional, and spatial information, amino acid conservation, physicochemical variation, residue mobility, and thermodynamic stability) performed at Invitae indicates that this missense variant is expected to disrupt BTD protein function with a positive predictive value of 80%. In summary, the available evidence is currently insufficient to determine the role of this variant in disease. Therefore, it has been classified as a Variant of Uncertain Significance.